The following is an entry in ClinVar:

ClinVar aggregate classification (germline): Pathogenic/Likely pathogenic. Review status: criteria provided, multiple submitters, no conflicts (2 of 4 stars). 8 submissions from 8 submitters: Pathogenic (5); Likely pathogenic (2). 1 of the submissions does not count toward it. Last evaluated 2025-09-30.

Conditions:
Hereditary spherocytosis type 4. Also called: SLC4A1-Related Spherocytosis. Identifiers: Orphanet 822, MedGen C2675212, MONDO:0012981, OMIM 612653.
SLC4A1-related disorder. Also called: SLC4A1-related condition; SLC4A1-related disorders.

Allele frequency attached by ClinVar (database versions not stated): gnomAD 0.00001; TOPMed below 0.00001.

Submissions (8):

Labcorp Genetics (formerly Invitae), Labcorp
Classification: Likely pathogenic. Last evaluated: 2025-09-30. Review status: criteria provided, single submitter. Criteria: Invitae Variant Classification Sherloc (09022015). Collection method: clinical testing. Allele origin: germline.
Comment: This sequence change replaces arginine, which is basic and polar, with cysteine, which is neutral and slightly polar, at codon 490 of the SLC4A1 protein (p.Arg490Cys). This variant is present in population databases (no rsID available, gnomAD no frequency). This missense change has been observed in individual(s) with hereditary spherocytosis (PMID: 9233560, 29572776, 36203343; internal data). It has also been observed to segregate with disease in related individuals. ClinVar contains an entry for this variant (Variation ID: 1162816). Invitae Evidence Modeling of protein sequence and biophysical properties (such as structural, functional, and spatial information, amino acid conservation, physicochemical variation, residue mobility, and thermodynamic stability) indicates that this missense variant is expected to disrupt SLC4A1 protein function with a positive predictive value of 80%. Experimental studies have shown that this missense change affects SLC4A1 function (PMID: 9565662, 10766130). This variant disrupts the p.Arg490 amino acid residue in SLC4A1. Other variant(s) that disrupt this residue have been determined to be pathogenic (PMID: 10580570, 31126250). This suggests that this residue is clinically significant, and that variants that disrupt this residue are likely to be disease-causing. In summary, the currently available evidence indicates that the variant is pathogenic, but additional data are needed to prove that conclusively. Therefore, this variant has been classified as Likely Pathogenic.

Mayo Clinic Laboratories, Mayo Clinic
Classification: Pathogenic. Last evaluated: 2025-07-01. Review status: criteria provided, single submitter. Criteria: ACMG Guidelines, 2015. Collection method: clinical testing. Allele origin: germline. Observed: 7 variant alleles.
Comment: PP1_moderate, PP3_moderate, PS3, PS4

ARUP Laboratories, Molecular Genetics and Genomics, ARUP Laboratories
Classification: Pathogenic. Last evaluated: 2025-03-31. Review status: criteria provided, single submitter. Criteria: ARUP Molecular Germline Variant Investigation Process 2024. Collection method: clinical testing. Allele origin: germline.
Comment: The SLC4A1 c.1468C>T; p.Arg490Cys variant (rs1398477044, ClinVar Variation ID: 1162816), also known as Band 3 Bicetre, is reported as both an inherited and de novo variant in several individuals with hereditary spherocytosis or hemolytic anemia from multiple different families (Dhermy 1997, Wang 2018, Wang 2023). Both in vitro and in vivo functional analyses with mutant protein demonstrate mislocalization, altered protein folding and premature protein degradation leading to altered transport activity (Dhermy 1999). The mutant peptide also disrupts the localization of normal Band 3 protein through a dominant negative effect (Karbach 1998). This variant is only observed on one allele in the Genome Aggregation Database (v2.1.1), indicating it is not a common polymorphism. Additionally, another variant at this codon (c.1469G>A; p.Arg490His) has been reported in individuals with hereditary spherocytosis (Lima 1999, Shen 2019, Svidnicki 2020, Van Zwieten 2013, Vives-Corrons 2021). Computational analyses predict that this variant is deleterious (REVEL: 0.848). Based on available information, this variant is considered to be pathogenic. References: Dhermy D et al. The red blood cell band 3 variant (band 3Biceetrel:R490C) associated with dominant hereditary spherocytosis causes defective membrane targeting of the molecule and a dominant negative effect. Mol Membr Biol. 1999 Oct-Nov. PMID: 10766130. Dhermy D et al. Heterogenous band 3 deficiency in hereditary spherocytosis related to different band 3 gene defects. Br J Haematol. 1997 Jul. PMID: 9233560. Karbach D et al. Effect of site-directed mutagenesis of the arginine residues 509 and 748 on mouse band 3 protein-mediated anion transport. Biochim Biophys Acta. 1998 Apr 22. PMID: 9565662. Lima PR et al. Arginine 490 is a hot spot for mutation in the band 3 gene in hereditary spherocytosis. Eur J Haematol. 1999 Nov. PMID: 10580570. Shen H et al. Two different pathogenic gene mutations coexisted in the same hereditary spherocytosis family manifested with heterogeneous phenotypes. BMC Med Genet. 2019 May 24. PMID: 31126250. Svidnicki M et al. Targeted next-generation sequencing identified novel mutations associated with hereditary anemias in Brazil. Ann Hematol. 2020 May. PMID: 32266426. Van Zwieten R et al. Hereditary spherocytosis due to band 3 deficiency: 15 novel mutations in SLC4A1. Am J Hematol. 2013 Feb. PMID: 23255290. Vives-Corrons JL et al. Characterization of hereditary red blood cell membranopathies using combined targeted next-generation sequencing and osmotic gradient ektacytometry. Int J Hematol. 2021 Feb. PMID: 33074480. Wang R et al. Exome sequencing confirms molecular diagnoses in 38 Chinese families with hereditary spherocytosis. Sci China Life Sci. 2018 Aug. PMID: 29572776. Wang WJ et al. Identification of variants in 94 Chinese patients with hereditary spherocytosis by next-generation sequencing. Clin Genet. 2023 Jan. PMID: 36203343.

Revvity Omics, Revvity
Classification: Pathogenic. Last evaluated: 2025-01-15. Review status: criteria provided, single submitter. Criteria: ACMG Guidelines, 2015. Collection method: clinical testing. Allele origin: germline.

Department of Pediatrics, Duzce University
Classification: Pathogenic for Hereditary spherocytosis type 4. Last evaluated: 2024-02-12. Review status: criteria provided, single submitter. Criteria: ACMG Guidelines, 2015. Collection method: research. Allele origin: germline. Inheritance: Autosomal dominant inheritance. Affected: yes.
Comment: Missense variant p.(Arg490Cys) in SLC4A1 (band 3), a gene associated with autosomal dominant hereditary spherocytosis. Located in a functional region of band 3 (PM1); rare/absent in population databases (PM2_supporting); deleterious in silico predictions (PP3); Applied ACMG/AMP criteria: PM1, PM2_supporting, PP3, PS4_supporting. Classification: Pathogenic.

GeneDx
Classification: Pathogenic. Last evaluated: 2023-05-01. Review status: criteria provided, single submitter. Criteria: GeneDx Variant Classification Process June 2021. Collection method: clinical testing. Allele origin: germline. Affected: yes.
Comment: Published functional studies demonstrate abnormal protein trafficking and a damaging dominant negative effect (Dhermy et al., 1999); In silico analysis supports that this missense variant has a deleterious effect on protein structure/function; This variant is associated with the following publications: (PMID: 29572776, 9233560, 10766130)

Jiangsu Institute of Hematology, the First Affiliated Hospital of Soochow University
Classification: Likely pathogenic for Hereditary spherocytosis type 4. Last evaluated: 2022-03-01. Review status: criteria provided, single submitter. Criteria: ACMG Guidelines, 2015. Collection method: research. Allele origin: unknown. Affected: yes.

PreventionGenetics, part of Exact Sciences
Classification: Pathogenic for SLC4A1-related condition. Last evaluated: 2024-07-22. Review status: no assertion criteria provided. Collection method: clinical testing. Allele origin: germline. Not counted in ClinVar's aggregate classification.
Comment: The SLC4A1 c.1468C>T variant is predicted to result in the amino acid substitution p.Arg490Cys. This variant was reported in at least three kindreds and segregated with autosomal dominant hereditary spherocytosis (Dhermy et al 1997. PubMed ID: 9233560; Wang WJ et al 2022. PubMed ID: 36203343). This variant is reported in 0.0065% of alleles in individuals of European (Non-Finnish) descent in gnomAD. This variant is interpreted as pathogenic.

Literature cited by the submitters: PubMed 9233560 (cited by Labcorp Genetics (formerly Invitae), Labcorp and Mayo Clinic Laboratories, Mayo Clinic); PubMed 29572776 (cited by Labcorp Genetics (formerly Invitae), Labcorp and Mayo Clinic Laboratories, Mayo Clinic); PubMed 36203343 (cited by Labcorp Genetics (formerly Invitae), Labcorp and Mayo Clinic Laboratories, Mayo Clinic); PubMed 9565662 (cited by Labcorp Genetics (formerly Invitae), Labcorp); PubMed 10766130 (cited by Labcorp Genetics (formerly Invitae), Labcorp and Mayo Clinic Laboratories, Mayo Clinic); PubMed 10580570 (cited by Labcorp Genetics (formerly Invitae), Labcorp); PubMed 31126250 (cited by Labcorp Genetics (formerly Invitae), Labcorp and Mayo Clinic Laboratories, Mayo Clinic); PubMed 27058983 (cited by Mayo Clinic Laboratories, Mayo Clinic).

NM_000342.4(SLC4A1):c.1468C>T (p.Arg490Cys)

Gene: SLC4A1 (solute carrier family 4 member 1 (Diego blood group); minus strand). Cytogenetic location: 17q21.31.
Variant type: single nucleotide variant.
Coding change: c.1468C>T on transcript NM_000342.4 (MANE Select); coding-DNA position 1468, C replaced by T.
Protein change: p.Arg490Cys; replaces arginine 490 with cysteine.
Molecular consequence: missense variant.
Genome position (GRCh38, 1-based): chr17:44,257,508, G>A on the plus strand (C>T on the coding strand, the complement: SLC4A1 is on the minus strand). VCF-style: chr17-44257508-G-A. GRCh37 (hg19) VCF-style: chr17-42334876-G-A.
Other names: p.(Arg490Cys); short protein forms R490C.
Identifiers: ClinVar variation 1162816 (VCV001162816.46), dbSNP rs1398477044, ClinGen allele CA399785930.